The following is an entry in ClinVar:

ClinVar aggregate classification (germline): Uncertain significance (1 of 4 stars; one submission).

Allele frequency attached by ClinVar (database versions not stated): gnomAD 0.00001.
gnomAD v4.1: 5 of 1,606,716 alleles (0.00031%); highest among the groups gnomAD compares: African/African-American, 0.0027%; no homozygotes.

Submission:

Labcorp Genetics (formerly Invitae), Labcorp
Classification: Uncertain significance. Last evaluated: 2021-08-01. Review status: criteria provided, single submitter. Criteria: Invitae Variant Classification Sherloc (09022015). Collection method: clinical testing. Allele origin: germline.
Comment: This sequence change replaces proline with serine at codon 450 of the COL18A1 protein (p.Pro450Ser). There is a moderate physicochemical difference between proline and serine. This variant is not present in population databases (ExAC no frequency). This variant has not been reported in the literature in individuals affected with COL18A1-related conditions. Experimental studies and prediction algorithms are not available or were not evaluated, and the functional significance of this variant is currently unknown. In summary, the available evidence is currently insufficient to determine the role of this variant in disease. Therefore, it has been classified as a Variant of Uncertain Significance.

NM_001379500.1(COL18A1):c.1348C>T (p.Pro450Ser)

Gene: COL18A1 (collagen type XVIII alpha 1 chain; plus strand). Cytogenetic location: 21q22.3.
Variant type: single nucleotide variant.
Coding change: c.1348C>T on transcript NM_001379500.1 (MANE Select); coding-DNA position 1348, C replaced by T.
Protein change: p.Pro450Ser; replaces proline 450 with serine.
Molecular consequence: missense variant.
Genome position (GRCh38, 1-based): chr21:45,480,106, C>T. VCF-style: chr21-45480106-C-T. GRCh37 (hg19) VCF-style: chr21-46900020-C-T.
Other names: c.1888C>T, p.Pro630Ser (NM_030582.4); c.2593C>T, p.Pro865Ser (NM_130444.3); short protein forms P450S, P630S, P865S.
Identifiers: ClinVar variation 1509314 (VCV001509314.3), dbSNP rs2035840827, ClinGen allele CA410516971.